The following is an entry in ClinVar:

ClinVar aggregate classification (germline): Uncertain significance (1 of 4 stars; one submission).

Allele frequency attached by ClinVar (database versions not stated): TOPMed below 0.00001.

Submission:

Athena Diagnostics
Classification: Uncertain significance. Last evaluated: 2022-09-26. Review status: criteria provided, single submitter. Criteria: Athena Diagnostics Criteria. Collection method: clinical testing. Allele origin: unknown.
Comment: Available data are insufficient to determine the clinical significance of the variant at this time. This variant has not been reported in large, multi-ethnic general populations. Computational tools predict that this variant is not damaging.

NM_182961.4(SYNE1):c.8149A>G (p.Ile2717Val)

Gene: SYNE1 (spectrin repeat containing nuclear envelope protein 1; minus strand). Cytogenetic location: 6q25.2.
Variant type: single nucleotide variant.
Coding change: c.8149A>G on transcript NM_182961.4 (MANE Select); coding-DNA position 8149, A replaced by G.
Protein change: p.Ile2717Val; replaces isoleucine 2717 with valine.
Molecular consequence: missense variant.
Genome position (GRCh38, 1-based): chr6:152,390,308, T>C on the plus strand (A>G on the coding strand, the complement: SYNE1 is on the minus strand). VCF-style: chr6-152390308-T-C. GRCh37 (hg19) VCF-style: chr6-152711443-T-C.
Other names: c.8170A>G, p.Ile2724Val (NM_033071.5); short protein forms I2717V, I2724V.
Identifiers: ClinVar variation 2684062 (VCV002684062.1), dbSNP rs2097588971, ClinGen allele CA366105282.